The following is an entry in ClinVar:

NM_000059.4(BRCA2):c.8020A>T (p.Lys2674Ter)

Gene: BRCA2 (BRCA2 DNA repair associated; plus strand). Cytogenetic location: 13q13.1.
Variant type: single nucleotide variant.
Coding change: c.8020A>T on transcript NM_000059.4 (MANE Select); coding-DNA position 8020, A replaced by T.
Protein change: p.Lys2674Ter; replaces lysine 2674 with a stop codon.
Molecular consequence: nonsense. On other transcripts: non-coding transcript variant (1).
Genome position (GRCh38, 1-based): chr13:32,363,222, A>T. VCF-style: chr13-32363222-A-T. GRCh37 (hg19) VCF-style: chr13-32937359-A-T.
Other names: c.7924A>T, p.Lys2642Ter (NM_001406719.1); c.8020A>T, p.Lys2674Ter (NM_001406720.1, NM_001432077.1); c.3088A>T, p.Lys1030Ter (NM_001406721.1); c.1603A>T, p.Lys535Ter (NM_001406722.1); short protein forms K1030*, K2642*, K2674*, K535*.
Identifiers: ClinVar variation 4071482 (VCV004071482.1).

ClinVar aggregate classification (germline): Likely pathogenic (1 of 4 stars; one submission).

Submission:

Institute of Human Genetics, FAU Erlangen, Friedrich-Alexander-Universität Erlangen-Nürnberg
Classification: Likely pathogenic. Last evaluated: 2025-07-25. Review status: criteria provided, single submitter. Criteria: Hauer et al. (Genet Med. 2018). Collection method: clinical testing. Allele origin: germline. Inheritance: Unknown mechanism. Affected: yes. Observed: 1 variant allele.
Comment: This variant has been identified by standard clinical testing.